The following is an entry in ClinVar:

ClinVar aggregate classification (germline): Conflicting classifications of pathogenicity. Review status: criteria provided, conflicting classifications (1 of 4 stars). 9 submissions from 9 submitters: Pathogenic (1); Uncertain significance (7); Likely benign (1). Last evaluated 2026-08-01.

Conditions:
USH2A-related disorder. Also called: USH2A-related disorders; USH2A-related condition. Identifiers: MedGen CN239332.
Childhood onset hearing loss.
Retinitis pigmentosa 39 (RP39). Identifiers: Orphanet 791, MedGen C3151138, MONDO:0013436, OMIM 613809.

Allele frequency attached by ClinVar (database versions not stated): gnomAD exomes 0.00005 and 0.00016; ExAC 0.00020; ESP Exome Variant Server 0.00054; TOPMed 0.00056; gnomAD 0.00063 and 0.00067; 1000 Genomes Project 0.00140; 1000 Genomes Project 30x 0.00156.
gnomAD v4.1: 170 of 1,614,036 alleles (0.011%); highest among the groups gnomAD compares: African/African-American, 0.21%; no homozygotes.

Submissions (9):

PreventionGenetics, part of Exact Sciences
Classification: Uncertain significance for USH2A-related condition. Last evaluated: 2026-08-01. Review status: criteria provided, single submitter. Criteria: ACMG Guidelines, 2015. Collection method: clinical testing. Allele origin: germline.
Comment: The USH2A c.13361T>A variant is predicted to result in the amino acid substitution p.Val4454Asp. This variant was reported, along with a second potentially causative variant in the same gene, in individuals with hearing loss or retinal disease (Adeyemo et al. 2022. PubMed ID: 34837038; Hyde et al. 2025. PubMed ID: 40557873). This variant was also described, along with other variants in other genes, in an individual with hearing loss (supplementary data, Shearer et al. 2013. PubMed ID: 23804846). However, this variant is reported in 0.22% of alleles in individuals of African descent in gnomAD, which may be too frequent to be a primary cause of disease. At this time, the clinical significance of this variant is uncertain due to the absence of conclusive functional and genetic evidence.

Labcorp Genetics (formerly Invitae), Labcorp
Classification: Likely benign. Last evaluated: 2026-01-28. Review status: criteria provided, single submitter. Criteria: Invitae Variant Classification Sherloc (09022015). Collection method: clinical testing. Allele origin: germline.

GeneDx
Classification: Uncertain significance. Last evaluated: 2025-02-05. Review status: criteria provided, single submitter. Criteria: GeneDx Variant Classification Process June 2021. Collection method: clinical testing. Allele origin: germline. Affected: yes.
Comment: In silico analysis supports that this missense variant has a deleterious effect on protein structure/function; This variant is associated with the following publications: (PMID: 34837038, 23804846, 28440294)

Blueprint Genetics
Classification: Pathogenic for USH2A-related disorders. Last evaluated: 2024-05-14. Review status: criteria provided, single submitter. Criteria: ACMG Guidelines, 2015. Collection method: clinical testing. Allele origin: germline. Affected: yes. Observed: 5 variant alleles.

ARUP Laboratories, Molecular Genetics and Genomics, ARUP Laboratories
Classification: Uncertain significance. Last evaluated: 2023-11-22. Review status: criteria provided, single submitter. Criteria: ARUP Molecular Germline Variant Investigation Process 2024. Collection method: clinical testing. Allele origin: germline.

Women's Health and Genetics/Laboratory Corporation of America, LabCorp
Classification: Uncertain significance. Last evaluated: 2021-12-01. Review status: criteria provided, single submitter. Criteria: LabCorp Variant Classification Summary - May 2015. Collection method: clinical testing. Allele origin: germline.
Comment: Variant summary: USH2A c.13361T>A (p.Val4454Asp) results in a non-conservative amino acid change located in the Fibronectin type III (IPR003961) of the encoded protein sequence. Four of five in-silico tools predict a damaging effect of the variant on protein function. The variant allele was found at a frequency of 0.00016 in 250480 control chromosomes, predominantly at a frequency of 0.0024 within the African or African-American subpopulation in the gnomAD database. This frequency is not higher than expected for a pathogenic variant in USH2A causing Usher Syndrome (0.0024 vs 0.011), allowing no conclusion about variant significance. c.13361T>A has been reported in the literature in individuals affected with nonsyndromic hearing loss (Shearer_2014, Adeyemo_2021). These reports do not provide unequivocal conclusions about association of the variant with Usher Syndrome. To our knowledge, no experimental evidence demonstrating an impact on protein function has been reported. Seven ClinVar submitters (evaluation after 2014) cite the variant with conflicting assessments [uncertain significance (n=5), likely benign (n=1), likely pathogenic (n=1)]. Based on the evidence outlined above, the variant was classified as uncertain significance.

National Institute on Deafness and Communication Disorders, National Institutes of Health
Classification: Uncertain significance for Childhood onset hearing loss. Last evaluated: 2021-07-08. Review status: criteria provided, single submitter. Criteria: ClinGen HL ACMG Specifications v1. Collection method: research. Allele origin: germline. Inheritance: Autosomal recessive inheritance. Affected: yes. Observed: 1 heterozygote. Segregation with disease not observed.
Comment: PP3 (non REVEL) / Modifications from PMID: 30311386 for classification: The genetic causes of hearing loss have not yet been well characterized in the Yoruba population, and the information regarding variant MAF in this population is still limited, so we did not exclude any variant based on their "high" MAF. PP3 criteria was applied even if the REVEL score was below 0.7, if at least two of the pathogenicity prediction algorithms used predicted that the variant was damaging or likely damaging.

was found associated with NM_206933.3:c.5612G>A

Ocular Genomics Institute, Massachusetts Eye and Ear
Classification: Uncertain significance for Retinitis pigmentosa 39. Last evaluated: 2021-04-08. Review status: criteria provided, single submitter. Criteria: ACMG Guidelines, 2015. Collection method: research. Allele origin: germline. Affected: yes.
Comment: Through a review of available evidence we were able to apply the following criteria: PM2, PP3. Based on this evidence we have classified this variant as Variant of Uncertain Significance.

Laboratory for Molecular Medicine, Mass General Brigham Personalized Medicine
Classification: Uncertain significance. Last evaluated: 2019-02-06. Review status: criteria provided, single submitter. Criteria: LMM Criteria. Collection method: clinical testing. Allele origin: germline. Observed: 1 variant allele.
Comment: The p.Val4454Asp variant in USH2A has not been previously reported in individuals with hearing loss or Usher syndrome but has been identified in 0.22% (56/24948) of African chromosomes by gnomAD. Computational prediction tools and conservation analysis suggest that this variant may impact the protein, though this information is not predictive enough to determine pathogenicity. In summary, the clinical significance of this variant is uncertain. ACMG/AMP Criteria applied: PP3, BS1_Supporting.

Literature cited by the submitters: PubMed 34837038 (cited by Women's Health and Genetics/Laboratory Corporation of America, LabCorp); PubMed 23804846 (cited by Women's Health and Genetics/Laboratory Corporation of America, LabCorp).

NM_206933.4(USH2A):c.13361T>A (p.Val4454Asp)

Gene: USH2A (usherin; minus strand). Cytogenetic location: 1q41.
Variant type: single nucleotide variant.
Coding change: c.13361T>A on transcript NM_206933.4 (MANE Select); coding-DNA position 13361, T replaced by A.
Protein change: p.Val4454Asp; replaces valine 4454 with aspartic acid.
Molecular consequence: missense variant.
Genome position (GRCh38, 1-based): chr1:215,674,550, A>T on the plus strand (T>A on the coding strand, the complement: USH2A is on the minus strand). VCF-style: chr1-215674550-A-T. GRCh37 (hg19) VCF-style: chr1-215847892-A-T.
Other names: short protein forms V4454D.
Identifiers: ClinVar variation 440396 (VCV000440396.35), dbSNP rs148033154, ClinGen allele CA1393303.